The following is an entry in ClinVar:

ClinVar aggregate classification (germline): Pathogenic. Review status: criteria provided, multiple submitters, no conflicts (2 of 4 stars). 2 submissions from 2 submitters: Pathogenic (2). Last evaluated 2015-06-01.

Conditions:
Langer-Giedion syndrome (TRPS2). Also called: Trichorhinophalangeal syndrome type II; CHROMOSOME 8q24.1 DELETION SYNDROME; Trichorhinophalangeal Dysplasia Type II (Langer-Giedion Syndrome). Identifiers: Orphanet 502, MedGen C0023003, MONDO:0007874, OMIM 150230.

Submissions (2):

GeneDx
Classification: Pathogenic. Last evaluated: 2015-06-01. Review status: criteria provided, single submitter. Criteria: GeneDx Variant Classification (06012015). Collection method: clinical testing. Allele origin: germline. Affected: yes.
Comment: The c.2725dupT duplication in the TRPS1 gene has not been reported previously as a pathogenic variant nor as a benign polymorphism, to our knowledge. The c.2725dupT duplication ispredicted to cause loss of normal protein function through protein truncation. Furthermore, the c.2725dupTvariant was not observed in approximately 6,000 individuals of European and African American ancestryin the NHLBI Exome Sequencing Project, indicating it is not a common benign variant in these populations.Therefore, we interpret c.2725dupT as a pathogenic variant.

Institute for Genomic Statistics and Bioinformatics, University Hospital Bonn
Classification: Pathogenic for Langer-Giedion syndrome. Review status: criteria provided, single submitter. Criteria: ACMG Guidelines, 2015. Collection method: clinical testing. Allele origin: unknown. Affected: yes. Observed: 1 variant allele.

NM_014112.5(TRPS1):c.2725dup (p.Cys909fs)

Gene: TRPS1 (transcriptional repressor GATA binding 1; minus strand). Cytogenetic location: 8q23.3.
Variant type: Duplication.
Coding change: c.2725dup on transcript NM_014112.5 (MANE Select); coding-DNA position 2725, one base duplicated (T; older notation c.2725dupT).
Protein change: p.Cys909fs; shifts the reading frame from cysteine 909.
Molecular consequence: frameshift variant.
Genome position (GRCh38, 1-based): chr8:115,418,428, A duplicated on the plus strand (T on the coding strand, the reverse complement: TRPS1 is on the minus strand); the first of 6 consecutive A bases (chr8:115,418,428-115,418,433); duplicating any one gives the same sequence. VCF-style (leftmost placement, unchanged base first): chr8-115418427-C-CA. GRCh37 (hg19) VCF-style: chr8-116430655-C-CA.
Other names: c.2698dup, p.Cys900fs (NM_001282902.3); c.2704dup, p.Cys902fs (NM_001282903.3); c.2686dup, p.Cys896fs (NM_001330599.2); c.2725dup (NM_014112.2); short protein forms C900fs, C909fs, C902fs, C896fs.
Identifiers: ClinVar variation 419064 (VCV000419064.3), dbSNP rs1554617582, ClinGen allele CA16618583.